The following is an entry in ClinVar:

ClinVar aggregate classification (germline): Uncertain significance (1 of 4 stars; one submission).

Conditions:
Inborn genetic diseases. Identifiers: MedGen C0950123, MeSH D030342.

Submission:

Ambry Genetics
Classification: Uncertain significance for Inborn genetic diseases. Last evaluated: 2016-09-02. Review status: criteria provided, single submitter. Criteria: Ambry Variant Classification Scheme 2023. Collection method: clinical testing. Allele origin: germline.
Comment: The p.V523A variant (also known as c.1568T>C), located in coding exon 10 of the SCN2A gene, results from a T to C substitution at nucleotide position 1568. The valine at codon 523 is replaced by alanine, an amino acid with similar properties. This variant was not reported in population based cohorts in the following databases: Database of Single Nucleotide Polymorphisms (dbSNP), NHLBI Exome Sequencing Project (ESP), and 1000 Genomes Project. In the ESP, this variant was not observed in 6503 samples (13006 alleles) with coverage at this position. This amino acid position is poorly conserved in available vertebrate species. In addition, this alteration is predicted to be tolerated by in silico analysis. Since supporting evidence is limited at this time, the clinical significance of this variant remains unclear.

NM_001040142.2(SCN2A):c.1568T>C (p.Val523Ala)

Gene: SCN2A (sodium voltage-gated channel alpha subunit 2; plus strand). Cytogenetic location: 2q24.3.
Variant type: single nucleotide variant.
Coding change: c.1568T>C on transcript NM_001040142.2 (MANE Select); coding-DNA position 1568, T replaced by C.
Protein change: p.Val523Ala; replaces valine 523 with alanine.
Molecular consequence: missense variant.
Genome position (GRCh38, 1-based): chr2:165,315,655, T>C. VCF-style: chr2-165315655-T-C. GRCh37 (hg19) VCF-style: chr2-166172165-T-C.
Other names: c.1568T>C, p.Val523Ala (NM_001040143.2, NM_001371246.1, NM_001371247.1 and 1 more transcripts); short protein forms V523A.
Identifiers: ClinVar variation 588219 (VCV000588219.5), dbSNP rs1559357469, ClinGen allele CA349023629.
Genomic context (GRCh38, chr2:165,315,655, plus strand): 5'-ACAGAAGAAAGAAAAAGAAACAGAAAGAACAGTCTGGAGAAGAAGAGAAAAATGACAGAG[T>C]CCGAAAATCGGAATCTGAAGACAGCATAAGAAGAAAAGGTTTCCGTTTTTCCTTGGAAGG-3'
Protein context (NP_001035232.1, residues 513-533): QSGEEEKNDR[Val523Ala]RKSESEDSIR